The following is an entry in ClinVar:

NM_004336.5(BUB1):c.3248C>T (p.Ser1083Leu)

Gene: BUB1 (BUB1 mitotic checkpoint serine/threonine kinase; minus strand). Cytogenetic location: 2q13.
Variant type: single nucleotide variant.
Coding change: c.3248C>T on transcript NM_004336.5 (MANE Select); coding-DNA position 3248, C replaced by T.
Protein change: p.Ser1083Leu; replaces serine 1083 with leucine.
Molecular consequence: missense variant.
Genome position (GRCh38, 1-based): chr2:110,637,974, G>A on the plus strand (C>T on the coding strand, the complement: BUB1 is on the minus strand). VCF-style: chr2-110637974-G-A. GRCh37 (hg19) VCF-style: chr2-111395551-G-A.
Other names: c.3188C>T, p.Ser1063Leu (NM_001278616.2); c.3077C>T, p.Ser1026Leu (NM_001278617.2); short protein forms S1026L, S1063L, S1083L.
Identifiers: ClinVar variation 3483069 (VCV003483069.1).

ClinVar aggregate classification (germline): Uncertain significance (1 of 4 stars; one submission).

Submission:

Ambry Genetics
Classification: Uncertain significance. Last evaluated: 2024-10-04. Review status: criteria provided, single submitter. Criteria: Ambry Variant Classification Scheme 2023. Collection method: clinical testing. Allele origin: germline.
Comment: The p.S1083L variant (also known as c.3248C>T), located in coding exon 25 of the BUB1 gene, results from a C to T substitution at nucleotide position 3248. The serine at codon 1083 is replaced by leucine, an amino acid with dissimilar properties. This amino acid position is conserved. In addition, this alteration is predicted to be tolerated by in silico analysis. Based on the available evidence, the clinical significance of this variant remains unclear.